The following is an entry in ClinVar:

NM_004168.4(SDHA):c.1007A>C (p.Asp336Ala)

Gene: SDHA (succinate dehydrogenase complex flavoprotein subunit A; plus strand). Cytogenetic location: 5p15.33.
Variant type: single nucleotide variant.
Coding change: c.1007A>C on transcript NM_004168.4 (MANE Select); coding-DNA position 1007, A replaced by C.
Protein change: p.Asp336Ala; replaces aspartic acid 336 with alanine.
Molecular consequence: missense variant.
Genome position (GRCh38, 1-based): chr5:233,588, A>C. VCF-style: chr5-233588-A-C. GRCh37 (hg19) VCF-style: chr5-233703-A-C.
Other names: c.863A>C, p.Asp288Ala (NM_001294332.2); c.1007A>C, p.Asp336Ala (NM_001330758.2); c.1007A>C (NM_004168.2); short protein forms D288A, D336A.
Identifiers: ClinVar variation 645584 (VCV000645584.13), dbSNP rs1579402533, ClinGen allele CA359012842.

ClinVar aggregate classification (germline): Uncertain significance. Review status: criteria provided, multiple submitters, no conflicts (2 of 4 stars). 2 submissions from 2 submitters: Uncertain significance (2). Last evaluated 2025-11-04.

Conditions:
Pheochromocytoma/paraganglioma syndrome 5. Also called: Paragangliomas 5; SDHA-Related Hereditary Paraganglioma-Pheochromocytoma Syndrome. Identifiers: Orphanet 29072, MedGen C3279992, MONDO:0013602, OMIM 614165.
Mitochondrial complex II deficiency, nuclear type 1. Also called: SUCCINATE CoQ REDUCTASE DEFICIENCY. Identifiers: Orphanet 3208, MedGen C5700310, MONDO:0100294, OMIM 252011.
Hereditary cancer-predisposing syndrome. Also called: Tumor predisposition; Neoplastic Syndromes, Hereditary; Hereditary Cancer Syndrome; Hereditary neoplastic syndrome. Identifiers: Orphanet 140162, MedGen C0027672, MeSH D009386, MONDO:0015356.

Allele frequency attached by ClinVar (database versions not stated): TOPMed 0.00001.

Submissions (2):

Ambry Genetics
Classification: Uncertain significance for Hereditary cancer-predisposing syndrome. Last evaluated: 2025-11-04. Review status: criteria provided, single submitter. Criteria: Ambry Variant Classification Scheme 2023. Collection method: clinical testing. Allele origin: germline.
Comment: The p.D336A variant (also known as c.1007A>C), located in coding exon 8 of the SDHA gene, results from an A to C substitution at nucleotide position 1007. The aspartic acid at codon 336 is replaced by alanine, an amino acid with dissimilar properties. This amino acid position is conserved. In addition, the in silico prediction for this alteration is inconclusive. Since supporting evidence is limited at this time, the clinical significance of this alteration remains unclear.

Labcorp Genetics (formerly Invitae), Labcorp
Classification: Uncertain significance for Pheochromocytoma/paraganglioma syndrome 5; Mitochondrial complex II deficiency, nuclear type 1. Last evaluated: 2025-09-20. Review status: criteria provided, single submitter. Criteria: Invitae Variant Classification Sherloc (09022015). Collection method: clinical testing. Allele origin: germline.
Comment: This sequence change replaces aspartic acid, which is acidic and polar, with alanine, which is neutral and non-polar, at codon 336 of the SDHA protein (p.Asp336Ala). This variant is not present in population databases (gnomAD no frequency). This variant has not been reported in the literature in individuals affected with SDHA-related conditions. ClinVar contains an entry for this variant (Variation ID: 645584). Invitae Evidence Modeling of protein sequence and biophysical properties (such as structural, functional, and spatial information, amino acid conservation, physicochemical variation, residue mobility, and thermodynamic stability) has been performed for this missense variant. However, the output from this modeling did not meet the statistical confidence thresholds required to predict the impact of this variant on SDHA protein function. In summary, the available evidence is currently insufficient to determine the role of this variant in disease. Therefore, it has been classified as a Variant of Uncertain Significance.